The following is an entry in ClinVar:

ClinVar aggregate classification (germline): Uncertain significance. Review status: criteria provided, multiple submitters, no conflicts (2 of 4 stars). 2 submissions from 2 submitters: Uncertain significance (2). Last evaluated 2025-06-12.

gnomAD v4.1: 119 of 1,613,516 alleles (0.0074%); highest among the groups gnomAD compares: African/African-American, 0.12%; no homozygotes.

Submissions (2):

Labcorp Genetics (formerly Invitae), Labcorp
Classification: Uncertain significance. Last evaluated: 2025-06-12. Review status: criteria provided, single submitter. Criteria: Invitae Variant Classification Sherloc (09022015). Collection method: clinical testing. Allele origin: germline.
Comment: This sequence change replaces alanine, which is neutral and non-polar, with valine, which is neutral and non-polar, at codon 1581 of the MYH7B protein (p.Ala1581Val). This variant is present in population databases (rs6060147, gnomAD 0.1%), and has an allele count higher than expected for a pathogenic variant. This variant has not been reported in the literature in individuals affected with MYH7B-related conditions. ClinVar contains an entry for this variant (Variation ID: 3297531). Invitae Evidence Modeling of protein sequence and biophysical properties (such as structural, functional, and spatial information, amino acid conservation, physicochemical variation, residue mobility, and thermodynamic stability) indicates that this missense variant is not expected to disrupt MYH7B protein function with a negative predictive value of 80%. In summary, the available evidence is currently insufficient to determine the role of this variant in disease. Therefore, it has been classified as a Variant of Uncertain Significance.

Ambry Genetics
Classification: Uncertain significance. Last evaluated: 2024-04-18. Review status: criteria provided, single submitter. Criteria: Ambry Variant Classification Scheme 2023. Collection method: clinical testing. Allele origin: germline.

NM_020884.7(MYH7B):c.4616C>T (p.Ala1539Val)

Gene: MYH7B (myosin heavy chain 7B; plus strand). Cytogenetic location: 20q11.22.
Variant type: single nucleotide variant.
Coding change: c.4616C>T on transcript NM_020884.7 (MANE Select); coding-DNA position 4616, C replaced by T.
Protein change: p.Ala1539Val; replaces alanine 1539 with valine.
Molecular consequence: missense variant.
Genome position (GRCh38, 1-based): chr20:34,999,646, C>T. VCF-style: chr20-34999646-C-T. GRCh37 (hg19) VCF-style: chr20-33587449-C-T.
Other names: short protein forms A1539V.
Identifiers: ClinVar variation 3297531 (VCV003297531.3).
Genomic context (GRCh38, chr20:34,999,646, plus strand): 5'-TCACAGACCAGGTGAGTCTCAGTGGGAAGAGCATCCAGGAACTGGAGAAAACCAAGAAGG[C>T]GCTGGAAGGCGAGAAGAGTGAGATCCAGGCTGCACTGGAGGAGGCAGAGGTCAGGGGCTG-3'
Protein context (NP_065935.4, residues 1529-1549): SIQELEKTKK[Ala1539Val]LEGEKSEIQA